The following is an entry in ClinVar:

ClinVar aggregate classification (germline): Uncertain significance (1 of 4 stars; one submission).

Submission:

Labcorp Genetics (formerly Invitae), Labcorp
Classification: Uncertain significance. Last evaluated: 2024-10-13. Review status: criteria provided, single submitter. Criteria: Invitae Variant Classification Sherloc (09022015). Collection method: clinical testing. Allele origin: germline.
Comment: This sequence change replaces valine, which is neutral and non-polar, with threonine, which is neutral and polar, at codon 3 of the RARS protein (p.Val3Thr). The frequency data for this variant in the population databases is considered unreliable, as metrics indicate poor data quality at this position in the gnomAD database. This variant has not been reported in the literature in individuals affected with RARS-related conditions. An algorithm developed to predict the effect of missense changes on protein structure and function (PolyPhen-2) suggests that this variant is likely to be tolerated. In summary, the available evidence is currently insufficient to determine the role of this variant in disease. Therefore, it has been classified as a Variant of Uncertain Significance.

NM_002887.4(RARS1):c.7_8inv (p.Val3Thr)

Gene: RARS1 (arginyl-tRNA synthetase 1; plus strand). Cytogenetic location: 5q34.
Variant type: Inversion.
Coding change: c.7_8inv on transcript NM_002887.4 (MANE Select).
Protein change: p.Val3Thr; replaces valine 3 with threonine.
Molecular consequence: missense variant.
Genome position: GRCh38 VCF-style: chr5-168486505-GT-AC. GRCh37 (hg19) VCF-style: chr5-167913510-GT-AC.
Other names: short protein forms V3T.
Identifiers: ClinVar variation 3604505 (VCV003604505.2).